The following is an entry in ClinVar:

NM_005120.3(MED12):c.1540T>G (p.Cys514Gly)

Genes: MED12 (mediator complex subunit 12; plus strand), LOC126863275 (BRD4-independent group 4 enhancer GRCh37_chrX:70342400-70343599; plus strand). Cytogenetic location: Xq13.1.
Variant type: single nucleotide variant.
Coding change: c.1540T>G on transcript NM_005120.3 (MANE Select); coding-DNA position 1540, T replaced by G.
Protein change: p.Cys514Gly; replaces cysteine 514 with glycine.
Molecular consequence: missense variant.
Genome position (GRCh38, 1-based): chrX:71,123,149, T>G. VCF-style: chrX-71123149-T-G. GRCh37 (hg19) VCF-style: chrX-70342999-T-G.
Other names: short protein forms C514G.
Identifiers: ClinVar variation 4688038 (VCV004688038.1).
Genomic context (GRCh38, chrX:71,123,149, plus strand): 5'-CTCCAGATCTCCTCAGATGATGATGCTGTGGTGTCATTGCTATGTGAATGGGCTGTCAGC[T>G]GCAAGCGTTCTGGTCGGCATCGTGCTATGGTGGTAGCCAAGCTCCTGGAGAAGAGACAGG-3'
Protein context (NP_005111.2, residues 504-524): VSLLCEWAVS[Cys514Gly]KRSGRHRAMV

ClinVar aggregate classification (germline): Likely benign (1 of 4 stars; one submission).

Conditions:
FG syndrome 1 (OKS). Also called: OPITZ-KAVEGGIA SYNDROME; KELLER SYNDROME; MENTAL RETARDATION, LARGE HEAD, IMPERFORATE ANUS, CONGENITAL HYPOTONIA, AND PARTIAL AGENESIS OF CORPUS CALLOSUM; FG Syndrome Type 1 (FGS1). Identifiers: Orphanet 93932, MedGen C5399762, MONDO:0010590, OMIM 305450.

Submission:

Centre for Medical Genetics,  Mumbai
Classification: Likely benign for FG syndrome 1. Last evaluated: 2026-01-30. Review status: criteria provided, single submitter. Criteria: ACMG Guidelines, 2015. Collection method: provider interpretation. Allele origin: germline. Inheritance: X-linked inheritance. Affected: no. Observed: 1 hemizygote.
Comment: The variant satisfies PM2 criteria; Extremely low frequency in gnomAD population databases. The variant satisfies PP2 criteria; Missense variant in a gene with low rate of benign missense mutations and for which missense mutation is a common mechanism of a disease. However, the variant satisfies BS2 criteria.

Literature cited by the submitters: PubMed 17334363.